The following is an entry in ClinVar:

NM_014991.6(WDFY3):c.1961T>C (p.Ile654Thr)

Genes: WDFY3 (WD repeat and FYVE domain containing 3; minus strand), WDFY3-AS1 (WDFY3 antisense RNA 1; plus strand). Cytogenetic location: 4q21.23.
Variant type: single nucleotide variant.
Coding change: c.1961T>C on transcript NM_014991.6 (MANE Select); coding-DNA position 1961, T replaced by C.
Protein change: p.Ile654Thr; replaces isoleucine 654 with threonine.
Molecular consequence: missense variant. On other transcripts: non-coding transcript variant (1).
Genome position (GRCh38, 1-based): chr4:84,810,271, A>G on the plus strand (T>C on the coding strand, the complement: WDFY3 is on the minus strand). VCF-style: chr4-84810271-A-G. GRCh37 (hg19) VCF-style: chr4-85731424-A-G.
Other names: short protein forms I654T.
Identifiers: ClinVar variation 3768425 (VCV003768425.1).

ClinVar aggregate classification (germline): Uncertain significance (1 of 4 stars; one submission).

gnomAD v4.1: 1 of 1,613,784 alleles (0.000062%); highest among the groups gnomAD compares: Admixed American, 0.0017%; no homozygotes.

Submission:

Women's Health and Genetics/Laboratory Corporation of America, LabCorp
Classification: Uncertain significance. Last evaluated: 2024-12-31. Review status: criteria provided, single submitter. Criteria: LabCorp Variant Classification Summary - May 2015. Collection method: clinical testing. Allele origin: germline.
Comment: Variant summary: WDFY3 c.1961T>C (p.Ile654Thr) results in a non-conservative amino acid change located in the Armadillo-like repeats (IPR056252) of the encoded protein sequence. Three of five in-silico tools predict a damaging effect of the variant on protein function. The variant was absent in 250200 control chromosomes. The available data on variant occurrences in the general population are insufficient to allow any conclusion about variant significance. To our knowledge, no occurrence of c.1961T>C in individuals affected with Microcephaly 18, Primary, Autosomal Dominant and no experimental evidence demonstrating its impact on protein function have been reported. No submitters have cited clinical-significance assessments for this variant to ClinVar. Based on the evidence outlined above, the variant was classified as uncertain significance.